The following is an entry in ClinVar:

NM_002351.5(SH2D1A):c.48C>T (p.Gly16=)

Gene: SH2D1A (SH2 domain containing 1A; plus strand). Cytogenetic location: Xq25.
Variant type: single nucleotide variant.
Coding change: c.48C>T on transcript NM_002351.5 (MANE Select); coding-DNA position 48, C replaced by T.
Protein change: p.Gly16=; no amino-acid change (glycine 16 retained).
Molecular consequence: synonymous variant.
Genome position (GRCh38, 1-based): chrX:124,346,690, C>T. VCF-style: chrX-124346690-C-T. GRCh37 (hg19) VCF-style: chrX-123480540-C-T.
Other names: p.Gly16=; c.48C>T, p.Gly16= (NM_001114937.3).
Identifiers: ClinVar variation 367872 (VCV000367872.30), dbSNP rs72610640, ClinGen allele CA10509243.
Genomic context (GRCh38, chrX:124,346,690, plus strand): 5'-AGTCCACCAGGCCATGGACGCAGTGGCTGTGTATCATGGCAAAATCAGCAGGGAAACCGG[C>T]GAGAAGCTCCTGCTTGCCACTGGGCTGGATGGCAGCTATTTGCTGAGGGACAGCGAGAGC-3'
Protein context (NP_002342.1, residues 6-26): VYHGKISRET[Gly16=]EKLLLATGLD

ClinVar aggregate classification (germline): Benign/Likely benign. Review status: criteria provided, multiple submitters, no conflicts (2 of 4 stars). 11 submissions from 11 submitters: Benign (4); Likely benign (5). 2 of the submissions do not count toward it. Last evaluated 2026-01-24.

Conditions:
X-linked lymphoproliferative disease due to SH2D1A deficiency (XLP1). Also called: IMMUNODEFICIENCY 5; IMMUNODEFICIENCY, X-LINKED PROGRESSIVE COMBINED VARIABLE; INFECTIOUS MONONUCLEOSIS, SEVERE, SUSCEPTIBILITY TO; SH2D1A-Related Lymphoproliferative Disease, X-Linked; DUNCAN DISEASE; PURTILO SYNDROME. Identifiers: Orphanet 2442, Orphanet 538931, MedGen C5399825, MONDO:0024551, OMIM 308240.
Mullegama-Klein-Martinez syndrome. Also called: NEURODEVELOPMENTAL DISORDER, X-LINKED, WITH CRANIOFACIAL ABNORMALITIES. Identifiers: MedGen C5193008, MONDO:0026722, OMIM 301022.
Holoprosencephaly 13, X-linked. Identifiers: MedGen C5393308, MONDO:0026763, OMIM 301043.

Allele frequency attached by ClinVar (database versions not stated): 1000 Genomes Project 30x 0.00062; TOPMed 0.00171; ESP Exome Variant Server 0.00275.
gnomAD v4.1: 3,809 of 1,210,010 alleles (0.31%); highest among the groups gnomAD compares: Non-Finnish European, 0.4%; 3 homozygotes.

Submissions (13):

Labcorp Genetics (formerly Invitae), Labcorp
Classification: Benign for X-linked lymphoproliferative disease due to SH2D1A deficiency. Last evaluated: 2026-01-24. Review status: criteria provided, single submitter. Criteria: Invitae Variant Classification Sherloc (09022015). Collection method: clinical testing. Allele origin: germline.

Mayo Clinic Laboratories, Mayo Clinic
Classification: Likely benign. Last evaluated: 2025-10-18. Review status: criteria provided, single submitter. Criteria: ACMG Guidelines, 2015. Collection method: clinical testing. Allele origin: germline. Observed: 1 variant allele.
Comment: BS1, BP4, BP7

Blueprint Genetics
Classification: Likely benign. Last evaluated: 2024-11-25. Review status: criteria provided, single submitter. Criteria: ACMG Guidelines, 2015. Collection method: clinical testing. Allele origin: germline.

Genetic Services Laboratory, University of Chicago
Classification: Benign. Last evaluated: 2021-11-22. Review status: criteria provided, single submitter. Criteria: ACMG Guidelines, 2015. Collection method: clinical testing. Allele origin: germline. Affected: no.

Fulgent Genetics
Classification: Likely benign for Mullegama-Klein-Martinez syndrome; Holoprosencephaly 13, X-linked. Last evaluated: 2021-10-08. Review status: criteria provided, single submitter. Criteria: ACMG Guidelines, 2015. Collection method: clinical testing. Allele origin: unknown.

GeneDx
Classification: Likely benign. Last evaluated: 2021-03-16. Review status: criteria provided, single submitter. Criteria: GeneDx Variant Classification Process June 2021. Collection method: clinical testing. Allele origin: germline. Affected: yes.
Comment: This variant is associated with the following publications: (PMID: 9771704, 24616127)

Illumina Laboratory Services, Illumina
Classification: Benign for X-linked lymphoproliferative disease due to SH2D1A deficiency. Last evaluated: 2018-01-12. Review status: criteria provided, single submitter. Criteria: ICSL Variant Classification Criteria 13 December 2019. Collection method: clinical testing. Allele origin: germline.
Comment: This variant was observed in the ICSL laboratory as part of a predisposition screen in an ostensibly healthy population. It had not been previously curated by ICSL or reported in the Human Gene Mutation Database (HGMD: prior to June 1st, 2018), and was therefore a candidate for classification through an automated scoring system. Utilizing variant allele frequency, disease prevalence and penetrance estimates, and inheritance mode, an automated score was calculated to assess if this variant is too frequent to cause the disease. Based on the score and internal cut-off values, a variant classified as benign is not then subjected to further curation. The score for this variant resulted in a classification of benign for this disease.

Center for Pediatric Genomic Medicine, Children's Mercy Hospital and Clinics
Classification: Benign. Last evaluated: 2017-01-24. Review status: criteria provided, single submitter. Criteria: ACMG Guidelines, 2015. Collection method: clinical testing. Allele origin: germline.

Eurofins Ntd Llc (ga)
Classification: Likely benign. Last evaluated: 2017-01-12. Review status: criteria provided, single submitter. Criteria: EGL Classification Definitions 2015. Collection method: clinical testing. Allele origin: germline. Observed: 1 variant allele, 1 heterozygote.

Clinical Genetics DNA and cytogenetics Diagnostics Lab, Erasmus MC, Erasmus Medical Center
Classification: Benign. Review status: no assertion criteria provided. Collection method: clinical testing. Allele origin: germline. Affected: yes. Study: VKGL Data-share Consensus. Not counted in ClinVar's aggregate classification.

Dr. Peter K. Rogan Lab, Western University
No classification provided (evidence only). Condition: Lung cancer. Review status: no classification provided. Collection method: in vitro. Allele origin: not applicable. Functional consequence: retained intron. Not counted in ClinVar's aggregate classification.

Dr. Peter K. Rogan Lab, Western University
No classification provided (evidence only). Condition: Uterine carcinosarcoma. Review status: no classification provided. Collection method: in vitro. Allele origin: not applicable. Functional consequence: retained intron. Not counted in ClinVar's aggregate classification.

Genome Diagnostics Laboratory, University Medical Center Utrecht
Classification: Likely benign. Review status: no assertion criteria provided. Collection method: clinical testing. Allele origin: germline. Affected: yes. Study: VKGL Data-share Consensus. Not counted in ClinVar's aggregate classification.

Literature cited by the submitters: PubMed 24616127 (cited by Mayo Clinic Laboratories, Mayo Clinic).